The following is an entry in ClinVar:

NM_000059.4(BRCA2):c.2702T>C (p.Leu901Pro)

Gene: BRCA2 (BRCA2 DNA repair associated; plus strand). Cytogenetic location: 13q13.1.
Variant type: single nucleotide variant.
Coding change: c.2702T>C on transcript NM_000059.4 (MANE Select); coding-DNA position 2702, T replaced by C.
Protein change: p.Leu901Pro; replaces leucine 901 with proline.
Molecular consequence: missense variant.
Genome position (GRCh38, 1-based): chr13:32,337,057, T>C. VCF-style: chr13-32337057-T-C. GRCh37 (hg19) VCF-style: chr13-32911194-T-C.
Other names: c.2702T>C, p.Leu901Pro (NM_001406719.1, NM_001406720.1); short protein forms L901P.
Identifiers: ClinVar variation 1794947 (VCV001794947.4), dbSNP rs2137489071, ClinGen allele CA387773506.

ClinVar aggregate classification (germline): Likely benign. Review status: criteria provided, multiple submitters, no conflicts (2 of 4 stars). 2 submissions from 2 submitters: Likely benign (2). Last evaluated 2023-03-23.

Conditions:
Hereditary cancer-predisposing syndrome. Also called: Tumor predisposition; Hereditary Cancer Syndrome; Neoplastic Syndromes, Hereditary; Hereditary neoplastic syndrome. Identifiers: Orphanet 140162, MedGen C0027672, MeSH D009386, MONDO:0015356.

Allele frequency attached by ClinVar (database versions not stated): gnomAD exomes below 0.00001.
gnomAD v4.1: 1 of 1,604,974 alleles (0.000062%); highest among the groups gnomAD compares: Non-Finnish European, 0.000085%; no homozygotes.

Submissions (2):

University of Washington Department of Laboratory Medicine, University of Washington
Classification: Likely benign for Hereditary cancer-predisposing syndrome. Last evaluated: 2023-03-23. Review status: criteria provided, single submitter. Criteria: Dines et al. (Genet Med. 2020). Collection method: curation. Allele origin: germline.
Comment: Missense variant in a coldspot region where missense variants are very unlikely to be pathogenic (PMID:31911673).

BRCA2 exon 11 coldspot. Reclassification based on statistical prior probability.

Ambry Genetics
Classification: Likely benign for Hereditary cancer-predisposing syndrome. Last evaluated: 2022-08-16. Review status: criteria provided, single submitter. Criteria: Ambry Variant Classification Scheme 2023. Collection method: clinical testing. Allele origin: germline.